The following is an entry in ClinVar:

ClinVar aggregate classification (germline): Likely pathogenic. Review status: criteria provided, multiple submitters, no conflicts (2 of 4 stars). 4 submissions from 4 submitters: Likely pathogenic (3). 1 of the submissions does not count toward it. Last evaluated 2025-10-23.

Conditions:
Becker muscular dystrophy (BMD). Also called: MUSCULAR DYSTROPHY, PSEUDOHYPERTROPHIC PROGRESSIVE, BECKER TYPE; Becker Muscular Dystrophy (BMD). Identifiers: Orphanet 98895, MedGen C0917713, MONDO:0010311, OMIM 300376.
Cardiomyopathy (CMYO). Also called: Cardiomyopathies. Identifiers: Orphanet 167848, MedGen C0878544, MONDO:0004994, HP:0001638. Inheritance: Various modes of inheritance.
Duchenne muscular dystrophy (DMD). Also called: MUSCULAR DYSTROPHY, PSEUDOHYPERTROPHIC PROGRESSIVE, DUCHENNE TYPE; Duchenne Muscular Dystrophy (DMD). Identifiers: Orphanet 98896, MedGen C0013264, MONDO:0010679, OMIM 310200.
Dystrophin deficiency.

Submissions (4):

Labcorp Genetics (formerly Invitae), Labcorp
Classification: Likely pathogenic for Duchenne muscular dystrophy. Last evaluated: 2025-10-23. Review status: criteria provided, single submitter. Criteria: Invitae Variant Classification Sherloc (09022015). Collection method: clinical testing. Allele origin: germline.
Comment: This sequence change affects a donor splice site in intron 39 of the DMD gene. It is expected to disrupt RNA splicing. Variants that disrupt the donor or acceptor splice site typically lead to a loss of protein function (PMID: 16199547), and loss-of-function variants in DMD are known to be pathogenic (PMID: 16770791, 25007885). This variant is not present in population databases (gnomAD no frequency). This variant has not been reported in the literature in individuals affected with DMD-related conditions. ClinVar contains an entry for this variant (Variation ID: 447259). Algorithms developed to predict the effect of sequence changes on RNA splicing suggest that this variant may disrupt the consensus splice site. In summary, the currently available evidence indicates that the variant is pathogenic, but additional data are needed to prove that conclusively. Therefore, this variant has been classified as Likely Pathogenic.

Revvity Omics, Revvity
Classification: Likely pathogenic. Last evaluated: 2024-11-26. Review status: criteria provided, single submitter. Criteria: ACMG Guidelines, 2015. Collection method: clinical testing. Allele origin: germline.

Athena Diagnostics
Classification: Likely pathogenic. Last evaluated: 2016-11-04. Review status: criteria provided, single submitter. Criteria: Athena Diagnostics Criteria. Collection method: clinical testing. Allele origin: germline.

Natera, Inc.
Classification: Likely pathogenic for Becker muscular dystrophy; Cardiomyopathy; Duchenne muscular dystrophy; Dystrophin deficiency. Last evaluated: 2020-11-02. Review status: no assertion criteria provided. Collection method: clinical testing. Allele origin: germline. Not counted in ClinVar's aggregate classification.

Literature cited by the submitters: PubMed 16199547 (cited by Labcorp Genetics (formerly Invitae), Labcorp); PubMed 16770791 (cited by Labcorp Genetics (formerly Invitae), Labcorp); PubMed 25007885 (cited by Labcorp Genetics (formerly Invitae), Labcorp).

NM_004006.3(DMD):c.5586+1G>A

Gene: DMD (dystrophin; minus strand). Cytogenetic location: Xp21.1.
Variant type: single nucleotide variant.
Coding change: c.5586+1G>A on transcript NM_004006.3 (MANE Select); the canonical splice donor site of the intron after coding-DNA position 5586, G replaced by A.
Molecular consequence: splice donor variant.
Genome position (GRCh38, 1-based): chrX:32,345,942, C>T on the plus strand (G>A on the coding strand, the complement: DMD is on the minus strand). VCF-style: chrX-32345942-C-T. GRCh37 (hg19) VCF-style: chrX-32364059-C-T.
Other names: c.5562+1G>A (NM_000109.4); c.1563+1G>A (NM_004011.4); c.1554+1G>A (NM_004012.4); c.5574+1G>A (NM_004009.3); c.5217+1G>A (NM_004010.3).
Identifiers: ClinVar variation 447259 (VCV000447259.4), dbSNP rs1557292599, ClinGen allele CA412667208.